The following is an entry in ClinVar:

NM_000531.6(OTC):c.634G>T (p.Gly212Ter)

Gene: OTC (ornithine transcarbamylase; plus strand). Cytogenetic location: Xp11.4.
Variant type: single nucleotide variant.
Coding change: c.634G>T on transcript NM_000531.6 (MANE Select); coding-DNA position 634, G replaced by T.
Protein change: p.Gly212Ter; replaces glycine 212 with a stop codon.
Molecular consequence: nonsense.
Genome position (GRCh38, 1-based): chrX:38,403,711, G>T. VCF-style: chrX-38403711-G-T. GRCh37 (hg19) VCF-style: chrX-38262964-G-T.
Other names: short protein forms G212*.
Identifiers: ClinVar variation 419686 (VCV000419686.2), dbSNP rs772049322, ClinGen allele CA16621369.
Genomic context (GRCh38, chrX:38,403,711, plus strand): 5'-AGCTGGATCGGGGATGGGAACAATATCCTGCACTCCATCATGATGAGCGCAGCGAAATTC[G>T]GAATGCACCTTCAGGCAGCTACTCCAAAGGTAGGGAAACTTTTTGCCTTGAAACTAACCC-3'

ClinVar aggregate classification (germline): Pathogenic (1 of 4 stars; one submission).

Submission:

GeneDx
Classification: Pathogenic. Last evaluated: 2015-08-13. Review status: criteria provided, single submitter. Criteria: GeneDx Variant Classification (06012015). Collection method: clinical testing. Allele origin: germline. Affected: yes.
Comment: The G212X nonsense variant in the OTC gene is predicted to cause loss of normal protein function either through protein truncation or nonsense-mediated mRNA decay. Although this variant has not been reported previously to our knowledge, approximately 20% of females who are heterozygous for mutations in the OTC gene are clinically symptomatic with disease severity similar to males with partial deficiency (Yamaguchi et al., 2006; Tuchman et al., 2002). Although this variant has not been reported previously to our knowledge, we interpret it to be a pathogenic variant.